The following is an entry in ClinVar:

NM_020949.3(SLC7A14):c.1240G>A (p.Gly414Ser)

Genes: SLC7A14 (solute carrier family 7 member 14; minus strand), SLC7A14-AS1 (SLC7A14 antisense RNA 1; plus strand). Cytogenetic location: 3q26.2.
Variant type: single nucleotide variant.
Coding change: c.1240G>A on transcript NM_020949.3 (MANE Select); coding-DNA position 1240, G replaced by A.
Protein change: p.Gly414Ser; replaces glycine 414 with serine.
Molecular consequence: missense variant.
Genome position (GRCh38, 1-based): chr3:170,481,042, C>T on the plus strand (G>A on the coding strand, the complement: SLC7A14 is on the minus strand). VCF-style: chr3-170481042-C-T. GRCh37 (hg19) VCF-style: chr3-170198831-C-T.
Other names: c.1240G>A (NM_020949.2); short protein forms G414S.
Identifiers: ClinVar variation 1041768 (VCV001041768.10), dbSNP rs757402409, ClinGen allele CA2701659.

ClinVar aggregate classification (germline): Uncertain significance. Review status: criteria provided, multiple submitters, no conflicts (2 of 4 stars). 3 submissions from 3 submitters: Uncertain significance (3). Last evaluated 2025-05-07.

Allele frequency attached by ClinVar (database versions not stated): gnomAD 0.00002; TOPMed 0.00002; ExAC 0.00004; gnomAD exomes 0.00007 and 0.00011.
gnomAD v4.1: 157 of 1,613,980 alleles (0.0097%); highest among the groups gnomAD compares: Non-Finnish European, 0.012%; no homozygotes.

Submissions (3):

Ambry Genetics
Classification: Uncertain significance. Last evaluated: 2025-05-07. Review status: criteria provided, single submitter. Criteria: Ambry Variant Classification Scheme 2023. Collection method: clinical testing. Allele origin: germline.

Labcorp Genetics (formerly Invitae), Labcorp
Classification: Uncertain significance. Last evaluated: 2025-03-17. Review status: criteria provided, single submitter. Criteria: Invitae Variant Classification Sherloc (09022015). Collection method: clinical testing. Allele origin: germline.
Comment: This sequence change replaces glycine, which is neutral and non-polar, with serine, which is neutral and polar, at codon 414 of the SLC7A14 protein (p.Gly414Ser). This variant is present in population databases (rs757402409, gnomAD 0.02%). This variant has not been reported in the literature in individuals affected with SLC7A14-related conditions. ClinVar contains an entry for this variant (Variation ID: 1041768). An algorithm developed to predict the effect of missense changes on protein structure and function (PolyPhen-2) suggests that this variant is likely to be disruptive. In summary, the available evidence is currently insufficient to determine the role of this variant in disease. Therefore, it has been classified as a Variant of Uncertain Significance.

Blueprint Genetics
Classification: Uncertain significance. Last evaluated: 2024-04-19. Review status: criteria provided, single submitter. Criteria: ACMG Guidelines, 2015. Collection method: clinical testing. Allele origin: germline.